The following is an entry in ClinVar:

NM_001101362.3(KBTBD13):c.656G>C (p.Gly219Ala)

Gene: KBTBD13 (kelch repeat and BTB domain containing 13; plus strand). Cytogenetic location: 15q22.31.
Variant type: single nucleotide variant.
Coding change: c.656G>C on transcript NM_001101362.3 (MANE Select); coding-DNA position 656, G replaced by C.
Protein change: p.Gly219Ala; replaces glycine 219 with alanine.
Molecular consequence: missense variant.
Genome position (GRCh38, 1-based): chr15:65,077,471, G>C. VCF-style: chr15-65077471-G-C. GRCh37 (hg19) VCF-style: chr15-65369809-G-C.
Other names: short protein forms G219A.
Identifiers: ClinVar variation 2985108 (VCV002985108.3), dbSNP rs2506308837, ClinGen allele CA392862071.
Genomic context (GRCh38, chr15:65,077,471, plus strand): 5'-CGTTGCTGGCCGGGGTGGCCACGCTGGGCAACAAGCTTTACATCGTGGGGGGCGTGCGCG[G>C]CGCCAGCAAGGAGGTGGTAGAGCTGGGCTTCTGCTACGACCCCGACGGCGGCACGTGGCA-3'
Protein context (NP_001094832.1, residues 209-229): NKLYIVGGVR[Gly219Ala]ASKEVVELGF

ClinVar aggregate classification (germline): Uncertain significance (1 of 4 stars; one submission).

Conditions:
Nemaline myopathy 6 (NEM6). Also called: Nemaline myopathy 6, autosomal dominant. Identifiers: Orphanet 171439, MedGen C1836472, MONDO:0012237, OMIM 609273.

Submission:

Labcorp Genetics (formerly Invitae), Labcorp
Classification: Uncertain significance for Nemaline myopathy 6. Last evaluated: 2023-07-26. Review status: criteria provided, single submitter. Criteria: Invitae Variant Classification Sherloc (09022015). Collection method: clinical testing. Allele origin: germline.
Comment: This sequence change replaces glycine, which is neutral and non-polar, with alanine, which is neutral and non-polar, at codon 219 of the KBTBD13 protein (p.Gly219Ala). This variant is not present in population databases (gnomAD no frequency). This variant has not been reported in the literature in individuals affected with KBTBD13-related conditions. Advanced modeling of protein sequence and biophysical properties (such as structural, functional, and spatial information, amino acid conservation, physicochemical variation, residue mobility, and thermodynamic stability) performed at Invitae indicates that this missense variant is not expected to disrupt KBTBD13 protein function. In summary, the available evidence is currently insufficient to determine the role of this variant in disease. Therefore, it has been classified as a Variant of Uncertain Significance.